The following is an entry in ClinVar:

ClinVar aggregate classification (germline): Uncertain significance (1 of 4 stars; one submission).

Allele frequency attached by ClinVar (database versions not stated): gnomAD exomes below 0.00001.
gnomAD v4.1: 1 of 1,614,096 alleles (0.000062%); highest among the groups gnomAD compares: Non-Finnish European, 0.000085%; no homozygotes.

Submission:

Labcorp Genetics (formerly Invitae), Labcorp
Classification: Uncertain significance. Last evaluated: 2022-07-05. Review status: criteria provided, single submitter. Criteria: Invitae Variant Classification Sherloc (09022015). Collection method: clinical testing. Allele origin: germline.
Comment: This variant has not been reported in the literature in individuals affected with MYO5B-related conditions. This variant is not present in population databases (gnomAD no frequency). This sequence change replaces isoleucine, which is neutral and non-polar, with valine, which is neutral and non-polar, at codon 99 of the MYO5B protein (p.Ile99Val). Algorithms developed to predict the effect of missense changes on protein structure and function are either unavailable or do not agree on the potential impact of this missense change (SIFT: "Deleterious"; PolyPhen-2: "Probably Damaging"; Align-GVGD: "Class C0"). In summary, the available evidence is currently insufficient to determine the role of this variant in disease. Therefore, it has been classified as a Variant of Uncertain Significance.

NM_001080467.3(MYO5B):c.295A>G (p.Ile99Val)

Gene: MYO5B (myosin VB; minus strand). Cytogenetic location: 18q21.1.
Variant type: single nucleotide variant.
Coding change: c.295A>G on transcript NM_001080467.3 (MANE Select); coding-DNA position 295, A replaced by G.
Protein change: p.Ile99Val; replaces isoleucine 99 with valine.
Molecular consequence: missense variant.
Genome position (GRCh38, 1-based): chr18:50,040,158, T>C on the plus strand (A>G on the coding strand, the complement: MYO5B is on the minus strand). VCF-style: chr18-50040158-T-C. GRCh37 (hg19) VCF-style: chr18-47566528-T-C.
Other names: short protein forms I99V.
Identifiers: ClinVar variation 2051904 (VCV002051904.4), dbSNP rs2511265134, ClinGen allele CA402510213.